The following is an entry in ClinVar:

NM_006623.4(PHGDH):c.117_118delinsCT (p.Glu39_Glu40delinsAspTer)

Gene: PHGDH (phosphoglycerate dehydrogenase; plus strand). Cytogenetic location: 1p12.
Variant type: Indel.
Coding change: c.117_118delinsCT on transcript NM_006623.4 (MANE Select); coding-DNA positions 117 to 118, GG replaced by CT.
Protein change: p.Glu39_Glu40delinsAspTer.
Molecular consequence: nonsense.
Genome position (GRCh38, 1-based): chr1:119,712,139-119,712,140, GG replaced by CT. VCF-style: chr1-119712139-GG-CT. GRCh37 (hg19) VCF-style: chr1-120254762-GG-CT.
Identifiers: ClinVar variation 1454660 (VCV001454660.6), dbSNP rs2101136632, ClinGen allele CA2573130987.
Genomic context (GRCh38, chr1:119,712,139, plus strand): 5'-CCGGAAGATCTTGCAAGATGGAGGGCTGCAGGTGGTGGAAAAGCAGAACCTTAGCAAAGA[GG>CT]AGCTGATAGCGGAGCTGCAGGTAAGGCGAGAGAGAGAAAATTGAGGTCTCTAGGGCAACC-3'

ClinVar aggregate classification (germline): Pathogenic (1 of 4 stars; one submission).

Conditions:
PHGDH deficiency. Identifiers: Orphanet 79351, MedGen C1866174, MONDO:0011152, OMIM 601815.

Submission:

Labcorp Genetics (formerly Invitae), Labcorp
Classification: Pathogenic for PHGDH deficiency. Last evaluated: 2023-06-29. Review status: criteria provided, single submitter. Criteria: Invitae Variant Classification Sherloc (09022015). Collection method: clinical testing. Allele origin: germline.
Comment: For these reasons, this variant has been classified as Pathogenic. ClinVar contains an entry for this variant (Variation ID: 1454660). This variant has not been reported in the literature in individuals affected with PHGDH-related conditions. Information on the frequency of this variant in the gnomAD database is not available, as this variant may be reported differently in the database. This sequence change creates a premature translational stop signal (p.Glu39_Glu40delinsAsp*) in the PHGDH gene. It is expected to result in an absent or disrupted protein product. Loss-of-function variants in PHGDH are known to be pathogenic (PMID: 14645240, 24836451).

Literature cited by the submitters: PubMed 14645240; PubMed 24836451.